The following is an entry in ClinVar:

ClinVar aggregate classification (germline): Benign/Likely benign. Review status: criteria provided, multiple submitters, no conflicts (2 of 4 stars). 5 submissions from 5 submitters: Benign (3); Likely benign (2). Last evaluated 2026-02-02.

Conditions:
Leukodystrophy, hypomyelinating, 7, with or without oligodontia and/or hypogonadotropic hypogonadism (HLD7). Also called: LEUKOENCEPHALOPATHY, HYPOMYELINATING, WITH ATAXIA AND DELAYED DENTITION; ATAXIA, DELAYED DENTITION, AND HYPOMYELINATION; LEUKODYSTROPHY, HYPOMYELINATING, 7, WITH OLIGODONTIA; LEUKODYSTROPHY, HYPOMYELINATING, 7, WITH OLIGODONTIA AND HYPOGONADOTROPIC HYPOGONADISM; LEUKODYSTROPHY, HYPOMYELINATING, 7, WITHOUT OLIGODONTIA OR HYPOGONADOTROPIC HYPOGONADISM; Ataxia, Delayed Dentition and Hypomyelination (ADDH). Identifiers: Orphanet 137639, Orphanet 447893, Orphanet 447896, Orphanet 77295, Orphanet 88637, MedGen CN034185, MONDO:0011897, OMIM 607694.

Allele frequency attached by ClinVar (database versions not stated): gnomAD exomes 0.00103 and 0.00286; ExAC 0.00349; gnomAD 0.00982 and 0.01052; 1000 Genomes Project 0.01018; 1000 Genomes Project 30x 0.01109; TOPMed 0.01172; ESP Exome Variant Server 0.01322.
gnomAD v4.1: 3,068 of 1,614,044 alleles (0.19%); highest among the groups gnomAD compares: African/African-American, 3.4%; 55 homozygotes.

Submissions (5):

Labcorp Genetics (formerly Invitae), Labcorp
Classification: Benign. Last evaluated: 2026-02-02. Review status: criteria provided, single submitter. Criteria: Invitae Variant Classification Sherloc (09022015). Collection method: clinical testing. Allele origin: germline.

Mayo Clinic Laboratories, Mayo Clinic
Classification: Benign. Last evaluated: 2025-04-23. Review status: criteria provided, single submitter. Criteria: ACMG Guidelines, 2015. Collection method: clinical testing. Allele origin: germline. Observed: 1 variant allele.
Comment: BS1, BS2, BP4, BP7

GeneDx
Classification: Likely benign. Last evaluated: 2021-05-05. Review status: criteria provided, single submitter. Criteria: GeneDx Variant Classification Process June 2021. Collection method: clinical testing. Allele origin: germline. Affected: yes.

Illumina Laboratory Services, Illumina
Classification: Benign for Leukodystrophy, hypomyelinating, 7, with or without oligodontia and/or hypogonadotropic hypogonadism. Last evaluated: 2018-01-13. Review status: criteria provided, single submitter. Criteria: ICSL Variant Classification Criteria 13 December 2019. Collection method: clinical testing. Allele origin: germline.
Comment: This variant was observed in the ICSL laboratory as part of a predisposition screen in an ostensibly healthy population. It had not been previously curated by ICSL or reported in the Human Gene Mutation Database (HGMD: prior to June 1st, 2018), and was therefore a candidate for classification through an automated scoring system. Utilizing variant allele frequency, disease prevalence and penetrance estimates, and inheritance mode, an automated score was calculated to assess if this variant is too frequent to cause the disease. Based on the score and internal cut-off values, a variant classified as benign is not then subjected to further curation. The score for this variant resulted in a classification of benign for this disease.

Breakthrough Genomics
Classification: Likely benign. Review status: criteria provided, single submitter. Criteria: ACMG Guidelines, 2015. Collection method: not provided. Allele origin: germline. Inheritance: Autosomal recessive inheritance. Affected: yes.

NM_007055.4(POLR3A):c.1566G>T (p.Leu522=)

Gene: POLR3A (RNA polymerase III subunit A; minus strand). Cytogenetic location: 10q22.3.
Variant type: single nucleotide variant.
Coding change: c.1566G>T on transcript NM_007055.4 (MANE Select); coding-DNA position 1566, G replaced by T.
Protein change: p.Leu522=; no amino-acid change (leucine 522 retained).
Molecular consequence: synonymous variant.
Genome position (GRCh38, 1-based): chr10:78,013,656, C>A on the plus strand (G>T on the coding strand, the complement: POLR3A is on the minus strand). VCF-style: chr10-78013656-C-A. GRCh37 (hg19) VCF-style: chr10-79773414-C-A.
Other names: p.Leu522=.
Identifiers: ClinVar variation 301072 (VCV000301072.17), dbSNP rs12255950, ClinGen allele CA5571422.